The following is an entry in ClinVar:

NM_000719.7(CACNA1C):c.6394A>G (p.Arg2132Gly)

Gene: CACNA1C (calcium voltage-gated channel subunit alpha1 C; plus strand). Cytogenetic location: 12p13.33.
Variant type: single nucleotide variant.
Coding change: c.6394A>G on transcript NM_000719.7 (MANE Select); coding-DNA position 6394, A replaced by G.
Protein change: p.Arg2132Gly; replaces arginine 2132 with glycine.
Molecular consequence: missense variant.
Genome position (GRCh38, 1-based): chr12:2,691,176, A>G. VCF-style: chr12-2691176-A-G. GRCh37 (hg19) VCF-style: chr12-2800342-A-G.
Other names: c.6538A>G, p.Arg2180Gly (NM_001129827.2); c.6517A>G, p.Arg2173Gly (NM_001129829.2); c.6499A>G, p.Arg2167Gly (NM_001129830.3, NM_001167624.3); c.6478A>G, p.Arg2160Gly (NM_001129831.2); c.6454A>G, p.Arg2152Gly (NM_001129832.2); c.6451A>G, p.Arg2151Gly (NM_001129833.2, NM_001129834.2, NM_001129835.2); c.6445A>G, p.Arg2149Gly (NM_001129836.2); c.6418A>G, p.Arg2140Gly (NM_001129837.2, NM_001129838.2); and 6 more; short protein forms R2129G, R2151G, R2121G, R2132G, R2138G, R2167G, R2180G, R2140G.
Identifiers: ClinVar variation 660291 (VCV000660291.11), dbSNP rs766262489, ClinGen allele CA383387883.
Genomic context (GRCh38, chr12:2,691,176, plus strand): 5'-GAGGACGCGGGCTGTGTGCGCGCGCGGGGTCGACCGAGTGAGGAGGAGCTCCAGGACAGC[A>G]GGGTCTACGTCAGCAGCCTGTAGTGGGCGCTGCCAGATGCGGGCTTTTTTTTATTTGTTT-3'
Protein context (NP_000710.5, residues 2122-2138): RPSEEELQDS[Arg2132Gly]VYVSSL

ClinVar aggregate classification (germline): Uncertain significance. Review status: criteria provided, multiple submitters, no conflicts (2 of 4 stars). 2 submissions from 2 submitters: Uncertain significance (2). Last evaluated 2023-10-13.

Conditions:
Cardiovascular phenotype. Identifiers: MedGen CN230736.
Long QT syndrome (LQTS). Identifiers: MedGen C0023976, MeSH D008133, MONDO:0002442. Disease mechanism: loss of function. Inheritance: Various modes of inheritance.

gnomAD v4.1: 1 of 1,594,212 alleles (0.000063%); highest among the groups gnomAD compares: Non-Finnish European, 0.000086%; no homozygotes.

Submissions (2):

Labcorp Genetics (formerly Invitae), Labcorp
Classification: Uncertain significance for Long QT syndrome. Last evaluated: 2023-10-13. Review status: criteria provided, single submitter. Criteria: Invitae Variant Classification Sherloc (09022015). Collection method: clinical testing. Allele origin: germline.
Comment: This sequence change replaces arginine, which is basic and polar, with glycine, which is neutral and non-polar, at codon 2132 of the CACNA1C protein (p.Arg2132Gly). This variant is not present in population databases (gnomAD no frequency). This variant has not been reported in the literature in individuals affected with CACNA1C-related conditions. ClinVar contains an entry for this variant (Variation ID: 660291). Advanced modeling of protein sequence and biophysical properties (such as structural, functional, and spatial information, amino acid conservation, physicochemical variation, residue mobility, and thermodynamic stability) performed at Invitae indicates that this missense variant is not expected to disrupt CACNA1C protein function. In summary, the available evidence is currently insufficient to determine the role of this variant in disease. Therefore, it has been classified as a Variant of Uncertain Significance.

Ambry Genetics
Classification: Uncertain significance for Cardiovascular phenotype. Last evaluated: 2022-11-09. Review status: criteria provided, single submitter. Criteria: Ambry Variant Classification Scheme 2023. Collection method: clinical testing. Allele origin: germline.
Comment: The p.R2132G variant (also known as c.6394A>G), located in coding exon 47 of the CACNA1C gene, results from an A to G substitution at nucleotide position 6394. The arginine at codon 2132 is replaced by glycine, an amino acid with dissimilar properties. This amino acid position is well conserved in available vertebrate species. In addition, this alteration is predicted to be tolerated by in silico analysis. Since supporting evidence is limited at this time, the clinical significance of this alteration remains unclear.